The following is an entry in ClinVar:

ClinVar aggregate classification (germline): Pathogenic (1 of 4 stars; one submission).

Conditions:
Abetalipoproteinaemia (ABL). Also called: MTP DEFICIENCY; Abetalipoproteinemia; Abetalipoproteinemia neuropathy; Apolipoprotein B deficiency; Congenital betalipoprotein deficiency syndrome. Identifiers: Orphanet 14, MedGen C0000744, MONDO:0008692, OMIM 200100, HP:0008181.

Submission:

Myriad Genetics, Inc.
Classification: Pathogenic for Abetalipoproteinaemia. Last evaluated: 2024-01-11. Review status: criteria provided, single submitter. Criteria: Myriad Autosomal Dominant, Autosomal Recessive and X-Linked Classification Criteria (2023). Collection method: clinical testing. Allele origin: unknown.
Comment: NM_000253.2(MTTP):c.2063_2070del8(S688Wfs*8) is expected to be pathogenic in the context of abetalipoproteinemia. This variant is predicted to lead to an abnormal or absent protein product due to the creation of a premature termination codon in MTTP, a gene where loss-of-function variants are known to be pathogenic. Please note: this variant was assessed in the context of healthy population screening.

NM_001386140.1(MTTP):c.2063_2070del (p.Ser688fs)

Gene: MTTP (microsomal triglyceride transfer protein; plus strand). Cytogenetic location: 4q23.
Variant type: Deletion.
Coding change: c.2063_2070del on transcript NM_001386140.1 (MANE Select); coding-DNA positions 2063 to 2070, 8 bases deleted (CCTATGCT; older notation c.2063_2070delCCTATGCT).
Protein change: p.Ser688fs; shifts the reading frame from serine 688.
Molecular consequence: frameshift variant.
Genome position (GRCh38, 1-based): chr4:99,612,986-99,612,993, CCTATGCT deleted; deleting any 8 consecutive bases within chr4:99,612,984-99,612,993 gives the same sequence; the c. name uses the placement nearest the transcript's 3' end. VCF-style (leftmost placement, unchanged base first): chr4-99612983-ACTCCTATG-A. GRCh37 (hg19) VCF-style: chr4-100534140-ACTCCTATG-A.
Other names: c.2063_2070del, p.Ser688fs (NM_000253.4); c.1814_1821del, p.Ser605fs (NM_001300785.2); short protein forms S605fs, S688fs.
Identifiers: ClinVar variation 5012641 (VCV005012641.1).